The following is an entry in ClinVar:

ClinVar aggregate classification (germline): Uncertain significance (1 of 4 stars; one submission).

Allele frequency attached by ClinVar (database versions not stated): ExAC 0.00007; ESP Exome Variant Server 0.00008; gnomAD 0.00010; gnomAD exomes 0.00013; TOPMed 0.00017.
gnomAD v4.1: 206 of 1,612,490 alleles (0.013%); highest among the groups gnomAD compares: Admixed American, 0.047%; no homozygotes.

Submission:

Labcorp Genetics (formerly Invitae), Labcorp
Classification: Uncertain significance. Last evaluated: 2025-12-17. Review status: criteria provided, single submitter. Criteria: Invitae Variant Classification Sherloc (09022015). Collection method: clinical testing. Allele origin: germline.
Comment: This sequence change affects codon 1249 of the DSCAML1 mRNA. It is a 'silent' change, meaning that it does not change the encoded amino acid sequence of the DSCAML1 protein. It affects a nucleotide within the consensus splice site. This variant is present in population databases (rs150682070, gnomAD 0.05%). This variant has not been reported in the literature in individuals affected with DSCAML1-related conditions. ClinVar contains an entry for this variant (Variation ID: 2054801). Algorithms developed to predict the effect of sequence changes on RNA splicing suggest that this variant is not likely to affect RNA splicing. In summary, the available evidence is currently insufficient to determine the role of this variant in disease. Therefore, it has been classified as a Variant of Uncertain Significance.

NM_020693.4(DSCAML1):c.3567C>T (p.Asp1189=)

Gene: DSCAML1 (DS cell adhesion molecule like 1; minus strand). Cytogenetic location: 11q23.3.
Variant type: single nucleotide variant.
Coding change: c.3567C>T on transcript NM_020693.4 (MANE Select); coding-DNA position 3567, C replaced by T.
Protein change: p.Asp1189=; no amino-acid change (aspartic acid 1189 retained).
Molecular consequence: synonymous variant.
Genome position (GRCh38, 1-based): chr11:117,458,755, G>A on the plus strand (C>T on the coding strand, the complement: DSCAML1 is on the minus strand). VCF-style: chr11-117458755-G-A. GRCh37 (hg19) VCF-style: chr11-117329471-G-A.
Identifiers: ClinVar variation 2054801 (VCV002054801.4), dbSNP rs150682070, ClinGen allele CA6296659.